The following is an entry in ClinVar:

NM_006147.4(IRF6):c.576G>A (p.Trp192Ter)

Gene: IRF6 (interferon regulatory factor 6; minus strand). Cytogenetic location: 1q32.2.
Variant type: single nucleotide variant.
Coding change: c.576G>A on transcript NM_006147.4 (MANE Select); coding-DNA position 576, G replaced by A.
Protein change: p.Trp192Ter; replaces tryptophan 192 with a stop codon.
Molecular consequence: nonsense.
Genome position (GRCh38, 1-based): chr1:209,792,360, C>T on the plus strand (G>A on the coding strand, the complement: IRF6 is on the minus strand). VCF-style: chr1-209792360-C-T. GRCh37 (hg19) VCF-style: chr1-209965705-C-T.
Other names: c.291G>A, p.Trp97Ter (NM_001206696.2); short protein forms W192*, W97*.
Identifiers: ClinVar variation 265197 (VCV000265197.2), dbSNP rs886039389, ClinGen allele CA10588278.

ClinVar aggregate classification (germline): Pathogenic (1 of 4 stars; one submission).

Submission:

GeneDx
Classification: Pathogenic. Last evaluated: 2016-03-24. Review status: criteria provided, single submitter. Criteria: GeneDx Variant Classification (06012015). Collection method: clinical testing. Allele origin: germline. Affected: yes.
Comment: The W192X nonsense variant in the IRF6 gene has been reported previously in association with Van der Woude syndrome (Kondo et al., 2002). The W192X variant was not observed in approximately 6,500 individuals of European and African American ancestry in the NHLBI Exome Sequencing Project, indicating it is not a common benign variant in these populations. This pathogenic variant is predicted to cause loss of normal protein function either through protein truncation or nonsense-mediated mRNA decay.